The following is an entry in ClinVar:

NM_001844.5(COL2A1):c.4274_4275del (p.Gly1425fs)

Gene: COL2A1 (collagen type II alpha 1 chain; minus strand). Cytogenetic location: 12q13.11.
Variant type: Deletion.
Coding change: c.4274_4275del on transcript NM_001844.5 (MANE Select); coding-DNA positions 4274 to 4275, 2 bases deleted (GC; older notation c.4274_4275delGC).
Protein change: p.Gly1425fs; shifts the reading frame from glycine 1425.
Molecular consequence: frameshift variant.
Genome position (GRCh38, 1-based): chr12:47,974,131-47,974,132, GC deleted on the plus strand (GC on the coding strand, the reverse complement: COL2A1 is on the minus strand). VCF-style (leftmost placement, unchanged base first): chr12-47974130-TGC-T. GRCh37 (hg19) VCF-style: chr12-48367913-TGC-T.
Other names: c.4067_4068del, p.Gly1356fs (NM_033150.3); short protein forms G1356fs, G1425fs.
Identifiers: ClinVar variation 4855397 (VCV004855397.1).

ClinVar aggregate classification (germline): Likely pathogenic (1 of 4 stars; one submission).

Conditions:
COL2A1-related disorder. Also called: COL2A1-related condition; COL2A1-related disorders.

Submission:

3billion
Classification: Likely pathogenic for COL2A1-related disorder. Last evaluated: 2025-09-10. Review status: criteria provided, single submitter. Criteria: ACMG Guidelines, 2015. Collection method: clinical testing. Allele origin: germline. Affected: yes.
Comment: The variant is not observed in the gnomAD v4.1.0 dataset. Predicted Consequence/Location: Frameshift variant: predicted to result in a loss or disruption of normal protein function through protein truncation. The predicted truncated protein may be shortened by less than 10% and a dominant negative effect has been reported near truncated region. Therefore, this variant is classified as Likely pathogenic according to the recommendation of ACMG/AMP guideline.